The following is an entry in ClinVar:

NM_001243133.2(NLRP3):c.1633C>G (p.Pro545Ala)

Gene: NLRP3 (NLR family pyrin domain containing 3; plus strand). Cytogenetic location: 1q44.
Variant type: single nucleotide variant.
Coding change: c.1633C>G on transcript NM_001243133.2 (MANE Select); coding-DNA position 1633, C replaced by G.
Protein change: p.Pro545Ala; replaces proline 545 with alanine.
Molecular consequence: missense variant.
Genome position (GRCh38, 1-based): chr1:247,425,082, C>G. VCF-style: chr1-247425082-C-G. GRCh37 (hg19) VCF-style: chr1-247588384-C-G.
Other names: c.1633C>G, p.Pro545Ala (NM_001079821.3, NM_001127461.3, NM_001127462.3 and 1 more transcripts); c.1639C>G, p.Pro547Ala (NM_004895.5); c.1639C>G (NM_004895.4); short protein forms P545A, P547A.
Identifiers: ClinVar variation 1405363 (VCV001405363.9), dbSNP rs200088340, ClinGen allele CA40691975.
Genomic context (GRCh38, chr1:247,425,082, plus strand): 5'-GAGTTCTTTGCCGCCATGTACTACCTGCTGGAAGAGGAAAAGGAAGGAAGGACGAACGTT[C>G]CAGGGAGTCGTTTGAAGCTTCCCAGCCGAGACGTGACAGTCCTTCTGGAAAACTATGGCA-3'
Protein context (NP_001230062.1, residues 535-555): EEEKEGRTNV[Pro545Ala]GSRLKLPSRD

ClinVar aggregate classification (germline): Uncertain significance. Review status: criteria provided, multiple submitters, no conflicts (2 of 4 stars). 2 submissions from 2 submitters: Uncertain significance (2). Last evaluated 2025-08-12.

Conditions:
Cryopyrin associated periodic syndrome (CAPS). Identifiers: Orphanet 208650, MedGen C2316212, MONDO:0016168.
Familial amyloid nephropathy with urticaria AND deafness (MWS). Also called: UDA SYNDROME; URTICARIA-DEAFNESS-AMYLOIDOSIS SYNDROME; MUCKLE-WELLS SYNDROME; Urticaria, deafness and amyloidosis; CRYOPYRIN-ASSOCIATED PERIODIC SYNDROME 2. Identifiers: Orphanet 575, MedGen C0268390, MONDO:0008633, OMIM 191900.

Allele frequency attached by ClinVar (database versions not stated): gnomAD exomes 0.00001.
gnomAD v4.1: 16 of 1,614,142 alleles (0.00099%); highest among the groups gnomAD compares: Non-Finnish European, 0.0013%; no homozygotes.

Submissions (2):

Labcorp Genetics (formerly Invitae), Labcorp
Classification: Uncertain significance for Cryopyrin associated periodic syndrome. Last evaluated: 2025-08-12. Review status: criteria provided, single submitter. Criteria: Invitae Variant Classification Sherloc (09022015). Collection method: clinical testing. Allele origin: germline.
Comment: This sequence change replaces proline, which is neutral and non-polar, with alanine, which is neutral and non-polar, at codon 547 of the NLRP3 protein (p.Pro547Ala). This variant is not present in population databases (gnomAD no frequency). This variant has not been reported in the literature in individuals affected with NLRP3-related conditions. ClinVar contains an entry for this variant (Variation ID: 1405363). Invitae Evidence Modeling of protein sequence and biophysical properties (such as structural, functional, and spatial information, amino acid conservation, physicochemical variation, residue mobility, and thermodynamic stability) indicates that this missense variant is not expected to disrupt NLRP3 protein function with a negative predictive value of 95%. In summary, the available evidence is currently insufficient to determine the role of this variant in disease. Therefore, it has been classified as a Variant of Uncertain Significance.

Neuberg Centre For Genomic Medicine, NCGM
Classification: Uncertain significance for Familial amyloid nephropathy with urticaria AND deafness. Review status: criteria provided, single submitter. Criteria: ACMG Guidelines, 2015. Collection method: clinical testing. Allele origin: germline. Inheritance: Autosomal dominant inheritance. Affected: yes.
Comment: The missense variant in c.1639C>G (p.Pro547Ala) in NLRP3 gene has not been reported previously as a pathogenic variant nor as a benign variant, to our knowledge. The p.Pro547Ala variant is novel (not in any individuals) in gnomAD Exomes and 1000 Genomes. The amino acid Pro at position 547 is changed to a Ala changing protein sequence and it might alter its composition and physico-chemical properties. In silico tools predict the variant to be tolerated. The residue is variable across species. The p.Pro547Ala variant is novel (not in any individuals) in gnomAD Exomes and 1000 Genomes. For these reasons, this variant has been classified as Uncertain Significance.